The following is an entry in ClinVar:

ClinVar aggregate classification (germline): Uncertain significance (1 of 4 stars; one submission).

Conditions:
Cardiovascular phenotype. Identifiers: MedGen CN230736.

Submission:

Ambry Genetics
Classification: Uncertain significance for Cardiovascular phenotype. Last evaluated: 2025-12-21. Review status: criteria provided, single submitter. Criteria: Ambry Variant Classification Scheme 2023. Collection method: clinical testing. Allele origin: germline.
Comment: The p.R3134S variant (also known as c.9400C>A), located in coding exon 26 of the TNXB gene, results from a C to A substitution at nucleotide position 9400. The arginine at codon 3134 is replaced by serine, an amino acid with dissimilar properties. This amino acid position is conserved. In addition, this alteration is predicted to be tolerated by in silico analysis. Based on the available evidence, the clinical significance of this variant remains unclear.

NM_001365276.2(TNXB):c.9406C>A (p.Arg3136Ser)

Gene: TNXB (tenascin XB; minus strand). Cytogenetic location: 6p21.33.
Variant type: single nucleotide variant.
Coding change: c.9406C>A on transcript NM_001365276.2 (MANE Select); coding-DNA position 9406, C replaced by A.
Protein change: p.Arg3136Ser; replaces arginine 3136 with serine.
Molecular consequence: missense variant.
Genome position (GRCh38, 1-based): chr6:32,050,031, G>T on the plus strand (C>A on the coding strand, the complement: TNXB is on the minus strand). VCF-style: chr6-32050031-G-T. GRCh37 (hg19) VCF-style: chr6-32017808-G-T.
Other names: c.10147C>A, p.Arg3383Ser (NM_001428335.1); c.9400C>A, p.Arg3134Ser (NM_019105.8); short protein forms R3136S, R3383S, R3134S.
Identifiers: ClinVar variation 4842863 (VCV004842863.1).